The following is an entry in ClinVar:

NM_052844.4(DYNC2I2):c.1132G>A (p.Val378Met)

Genes: DYNC2I2 (dynein 2 intermediate chain 2; minus strand), LOC126860772 (CDK7 strongly-dependent group 2 enhancer GRCh37_chr9:131396972-131398171; plus strand). Cytogenetic location: 9q34.11.
Variant type: single nucleotide variant.
Coding change: c.1132G>A on transcript NM_052844.4 (MANE Select); coding-DNA position 1132, G replaced by A.
Protein change: p.Val378Met; replaces valine 378 with methionine.
Molecular consequence: missense variant.
Genome position (GRCh38, 1-based): chr9:128,634,771, C>T on the plus strand (G>A on the coding strand, the complement: DYNC2I2 is on the minus strand). VCF-style: chr9-128634771-C-T. GRCh37 (hg19) VCF-style: chr9-131397050-C-T.
Other names: c.1132G>A (NM_052844.3); short protein forms V378M.
Identifiers: ClinVar variation 1681200 (VCV001681200.4), dbSNP rs367663253, ClinGen allele CA5266332.

ClinVar aggregate classification (germline): Uncertain significance. Review status: criteria provided, multiple submitters, no conflicts (2 of 4 stars). 2 submissions from 2 submitters: Uncertain significance (2). Last evaluated 2025-08-24.

Conditions:
Inborn genetic diseases. Identifiers: MedGen C0950123, MeSH D030342.
Short-rib thoracic dysplasia 11 with or without polydactyly (SRTD11). Also called: SHORT-RIB THORACIC DYSPLASIA 11 WITHOUT POLYDACTYLY. Identifiers: Orphanet 474, Orphanet 93271, MedGen C3810200, MONDO:0014287, OMIM 615633.

Allele frequency attached by ClinVar (database versions not stated): ExAC 0.00003; gnomAD exomes 0.00003 and 0.00006; TOPMed 0.00005; ESP Exome Variant Server 0.00008.
gnomAD v4.1: 98 of 1,608,214 alleles (0.0061%); highest among the groups gnomAD compares: African/African-American, 0.0094%; no homozygotes.

Submissions (2):

Ambry Genetics
Classification: Uncertain significance for Inborn genetic diseases. Last evaluated: 2025-08-24. Review status: criteria provided, single submitter. Criteria: Ambry Variant Classification Scheme 2023. Collection method: clinical testing. Allele origin: germline.

Labcorp Genetics (formerly Invitae), Labcorp
Classification: Uncertain significance for Short-rib thoracic dysplasia 11 with or without polydactyly. Last evaluated: 2022-03-10. Review status: criteria provided, single submitter. Criteria: Invitae Variant Classification Sherloc (09022015). Collection method: clinical testing. Allele origin: germline.
Comment: This sequence change replaces valine, which is neutral and non-polar, with methionine, which is neutral and non-polar, at codon 378 of the WDR34 protein (p.Val378Met). This variant is present in population databases (rs367663253, gnomAD 0.009%). This variant has not been reported in the literature in individuals affected with WDR34-related conditions. Algorithms developed to predict the effect of missense changes on protein structure and function are either unavailable or do not agree on the potential impact of this missense change (SIFT: "Deleterious"; PolyPhen-2: "Possibly Damaging"; Align-GVGD: "Class C0"). In summary, the available evidence is currently insufficient to determine the role of this variant in disease. Therefore, it has been classified as a Variant of Uncertain Significance.